The following is an entry in ClinVar:

NM_018206.6(VPS35):c.946C>T (p.Pro316Ser)

Gene: VPS35 (VPS35 retromer complex component; minus strand). Cytogenetic location: 16q11.2.
Variant type: single nucleotide variant.
Coding change: c.946C>T on transcript NM_018206.6 (MANE Select); coding-DNA position 946, C replaced by T.
Protein change: p.Pro316Ser; replaces proline 316 with serine.
Molecular consequence: missense variant.
Genome position (GRCh38, 1-based): chr16:46,674,629, G>A on the plus strand (C>T on the coding strand, the complement: VPS35 is on the minus strand). VCF-style: chr16-46674629-G-A. GRCh37 (hg19) VCF-style: chr16-46708541-G-A.
Other names: short protein forms P316S.
Identifiers: ClinVar variation 487671 (VCV000487671.8), dbSNP rs770029606, ClinGen allele CA8036923.
Genomic context (GRCh38, chr16:46,674,629, plus strand): 5'-TCACTGTAGCCACCTGCTGTGAAAATATATCAAAAAGTTTAATATCCGCTGGGATTCCAG[G>A]TCCATCTTCACGGTGAGCAAATAAAGCTAATCTAAAAAAAAAAAAAACACCCCTTTATTT-3'
Protein context (NP_060676.2, residues 306-326): LALFAHREDG[Pro316Ser]GIPADIKLFD

ClinVar aggregate classification (germline): Uncertain significance. Review status: criteria provided, multiple submitters, no conflicts (2 of 4 stars). 3 submissions from 3 submitters: Uncertain significance (2). 1 of the submissions does not count toward it. Last evaluated 2024-06-13.

Conditions:
Parkinson disease 17 (PARK17). Also called: VPS35-Related Parkinson Disease. Identifiers: Orphanet 411602, MedGen C3280133, MONDO:0013625, OMIM 614203.

Allele frequency attached by ClinVar (database versions not stated): gnomAD exomes 0.00008 and 0.00017; ExAC 0.00002; TOPMed 0.00010; gnomAD 0.00011 and 0.00009.

Submissions (3):

Mayo Clinic Laboratories, Mayo Clinic
Classification: Uncertain significance. Last evaluated: 2024-06-13. Review status: criteria provided, single submitter. Criteria: ACMG Guidelines, 2015. Collection method: clinical testing. Allele origin: germline. Observed: 1 variant allele.
Comment: BP4

Labcorp Genetics (formerly Invitae), Labcorp
Classification: Uncertain significance for Parkinson disease 17. Last evaluated: 2022-02-09. Review status: criteria provided, single submitter. Criteria: Invitae Variant Classification Sherloc (09022015). Collection method: clinical testing. Allele origin: germline.
Comment: In summary, the available evidence is currently insufficient to determine the role of this variant in disease. Therefore, it has been classified as a Variant of Uncertain Significance. Experimental studies are conflicting or provide insufficient evidence to determine the effect of this variant on VPS35 function (PMID: 25288323, 25533483, 26321632, 27385586). Algorithms developed to predict the effect of missense changes on protein structure and function (SIFT, PolyPhen-2, Align-GVGD) all suggest that this variant is likely to be tolerated. ClinVar contains an entry for this variant (Variation ID: 487671). This missense change has been observed in individual(s) with Parkinson disease (PMID: 21763482, 23408866). This variant is present in population databases (rs770029606, gnomAD 0.01%). This sequence change replaces proline, which is neutral and non-polar, with serine, which is neutral and polar, at codon 316 of the VPS35 protein (p.Pro316Ser).

GeneReviews
No classification provided. Condition: Parkinson disease 17. Review status: no classification provided. Collection method: literature only. Allele origin: germline. Not counted in ClinVar's aggregate classification.

Literature cited by the submitters: PubMed 21763482 (cited by Mayo Clinic Laboratories, Mayo Clinic and Labcorp Genetics (formerly Invitae), Labcorp); PubMed 23408866 (cited by Mayo Clinic Laboratories, Mayo Clinic and Labcorp Genetics (formerly Invitae), Labcorp); PubMed 23536430 (cited by Mayo Clinic Laboratories, Mayo Clinic); PubMed 24740878 (cited by Mayo Clinic Laboratories, Mayo Clinic); PubMed 25288323 (cited by Mayo Clinic Laboratories, Mayo Clinic and Labcorp Genetics (formerly Invitae), Labcorp); PubMed 25533483 (cited by Mayo Clinic Laboratories, Mayo Clinic and Labcorp Genetics (formerly Invitae), Labcorp); PubMed 26321632 (cited by Mayo Clinic Laboratories, Mayo Clinic and Labcorp Genetics (formerly Invitae), Labcorp); PubMed 27385586 (cited by Mayo Clinic Laboratories, Mayo Clinic and Labcorp Genetics (formerly Invitae), Labcorp); PubMed 27964832 (cited by Mayo Clinic Laboratories, Mayo Clinic); PubMed 28222538 (cited by Mayo Clinic Laboratories, Mayo Clinic); PubMed 37786555 (cited by Mayo Clinic Laboratories, Mayo Clinic); NCBI Bookshelf NBK447258 (cited by GeneReviews); PubMed 28796472 (cited by GeneReviews).